The following is an entry in ClinVar:

ClinVar aggregate classification (germline): Uncertain significance (1 of 4 stars; one submission).

Allele frequency attached by ClinVar (database versions not stated): gnomAD exomes 0.00001; ExAC 0.00002.
gnomAD v4.1: 8 of 1,613,952 alleles (0.0005%); highest among the groups gnomAD compares: South Asian, 0.0033%; no homozygotes.

Submission:

Labcorp Genetics (formerly Invitae), Labcorp
Classification: Uncertain significance. Last evaluated: 2022-05-10. Review status: criteria provided, single submitter. Criteria: Invitae Variant Classification Sherloc (09022015). Collection method: clinical testing. Allele origin: germline.
Comment: In summary, the available evidence is currently insufficient to determine the role of this variant in disease. Therefore, it has been classified as a Variant of Uncertain Significance. Algorithms developed to predict the effect of missense changes on protein structure and function are either unavailable or do not agree on the potential impact of this missense change (SIFT: "Deleterious"; PolyPhen-2: "Benign"; Align-GVGD: "Class C0"). This variant has not been reported in the literature in individuals affected with PTPRO-related conditions. This variant is present in population databases (rs752015711, gnomAD 0.006%). This sequence change replaces lysine, which is basic and polar, with glutamine, which is neutral and polar, at codon 1200 of the PTPRO protein (p.Lys1200Gln).

NM_030667.3(PTPRO):c.3598A>C (p.Lys1200Gln)

Gene: PTPRO (protein tyrosine phosphatase receptor type O; plus strand). Cytogenetic location: 12p12.3.
Variant type: single nucleotide variant.
Coding change: c.3598A>C on transcript NM_030667.3 (MANE Select); coding-DNA position 3598, A replaced by C.
Protein change: p.Lys1200Gln; replaces lysine 1200 with glutamine.
Molecular consequence: missense variant.
Genome position (GRCh38, 1-based): chr12:15,594,988, A>C. VCF-style: chr12-15594988-A-C. GRCh37 (hg19) VCF-style: chr12-15747922-A-C.
Other names: c.3514A>C, p.Lys1172Gln (NM_002848.4); c.1081A>C, p.Lys361Gln (NM_030668.3, NM_030670.3); c.1165A>C, p.Lys389Gln (NM_030669.3, NM_030671.3); short protein forms K361Q, K1172Q, K389Q, K1200Q.
Identifiers: ClinVar variation 1945948 (VCV001945948.5), dbSNP rs752015711, ClinGen allele CA6467217.
Genomic context (GRCh38, chr12:15,594,988, plus strand): 5'-TTGTTCCAGGAGCAGTACATTTTTATCCATCAGTGTGTGCAACTGATGTGGATGAAGAAG[A>C]AGCAGCAGTTCTGCATCAGTGATGTCATATACGAGAATGTTAGCAAGTCCTAGTTCAGAA-3'
Protein context (NP_109592.1, residues 1190-1210): QCVQLMWMKK[Lys1200Gln]QQFCISDVIY